The following is an entry in ClinVar:

ClinVar aggregate classification (germline): Uncertain significance (1 of 4 stars; one submission).

Submission:

GeneDx
Classification: Uncertain significance. Last evaluated: 2026-03-18. Review status: criteria provided, single submitter. Criteria: GeneDx Variant Classification Process June 2021. Collection method: clinical testing. Allele origin: germline. Affected: yes.
Comment: Not observed at significant frequency in large population cohorts (gnomAD); In silico analysis suggests that this missense variant does not alter protein structure/function; Has not been previously published as pathogenic or benign to our knowledge

NM_015488.5(PNKD):c.16G>T (p.Ala6Ser)

Genes: PNKD (PNKD metallo-beta-lactamase domain containing; plus strand), LOC129935594 (ATAC-STARR-seq lymphoblastoid active region 17117; plus strand). Cytogenetic location: 2q35.
Variant type: single nucleotide variant.
Coding change: c.16G>T on transcript NM_015488.5 (MANE Select); coding-DNA position 16, G replaced by T.
Protein change: p.Ala6Ser; replaces alanine 6 with serine.
Molecular consequence: missense variant.
Genome position (GRCh38, 1-based): chr2:218,270,551, G>T. VCF-style: chr2-218270551-G-T. GRCh37 (hg19) VCF-style: chr2-219135274-G-T.
Other names: c.16G>T, p.Ala6Ser (NM_001077399.3); short protein forms A6S.
Identifiers: ClinVar variation 2575588 (VCV002575588.2), dbSNP rs1023163176, ClinGen allele CA65747189.